The following is an entry in ClinVar:

NM_007217.4(PDCD10):c.387_390del (p.Thr130fs)

Gene: PDCD10 (programmed cell death 10; minus strand). Cytogenetic location: 3q26.1.
Variant type: Deletion.
Coding change: c.387_390del on transcript NM_007217.4 (MANE Select); coding-DNA positions 387 to 390, 4 bases deleted (GACA; older notation c.387_390delGACA).
Protein change: p.Thr130fs; shifts the reading frame from threonine 130.
Molecular consequence: frameshift variant.
Genome position (GRCh38, 1-based): chr3:167,695,601-167,695,604, TGTC deleted on the plus strand (GACA on the coding strand, the reverse complement: PDCD10 is on the minus strand); deleting any 4 consecutive bases within chr3:167,695,601-167,695,606 gives the same sequence; the c. name uses the placement nearest the transcript's 3' end. VCF-style (leftmost placement, unchanged base first): chr3-167695600-TTGTC-T. GRCh37 (hg19) VCF-style: chr3-167413388-TTGTC-T.
Other names: c.387_390del, p.Thr130fs (NM_145859.2, NM_145860.2); short protein forms T130fs.
Identifiers: ClinVar variation 3727504 (VCV003727504.2).

ClinVar aggregate classification (germline): Pathogenic (1 of 4 stars; one submission).

Conditions:
Cerebral cavernous malformation 3. Also called: Familial Cerebral Cavernous Malformation 3. Identifiers: Orphanet 221061, MedGen C1864040, MONDO:0011305, OMIM 603285.

Submission:

Labcorp Genetics (formerly Invitae), Labcorp
Classification: Pathogenic for Cerebral cavernous malformation 3. Last evaluated: 2024-09-10. Review status: criteria provided, single submitter. Criteria: Invitae Variant Classification Sherloc (09022015). Collection method: clinical testing. Allele origin: germline.
Comment: This sequence change creates a premature translational stop signal (p.Thr130Serfs*4) in the PDCD10 gene. It is expected to result in an absent or disrupted protein product. Loss-of-function variants in PDCD10 are known to be pathogenic (PMID: 15543491, 18300272, 23801932). This variant is not present in population databases (gnomAD no frequency). This variant has not been reported in the literature in individuals affected with PDCD10-related conditions. For these reasons, this variant has been classified as Pathogenic.

Literature cited by the submitters: PubMed 15543491; PubMed 18300272; PubMed 23801932.